The following is an entry in ClinVar:

ClinVar aggregate classification (germline): Uncertain significance (1 of 4 stars; one submission).

Submission:

GeneDx
Classification: Uncertain significance. Last evaluated: 2025-11-11. Review status: criteria provided, single submitter. Criteria: GeneDx Variant Classification Process June 2021. Collection method: clinical testing. Allele origin: germline. Affected: yes.
Comment: Not observed at significant frequency in large population cohorts (gnomAD); In silico analysis suggests that this missense variant does not alter protein structure/function; This substitution is predicted to be within the cytoplasmic loop between the first and second homologous domains; Has not been previously published as pathogenic or benign to our knowledge

NM_001165963.4(SCN1A):c.1797G>T (p.Glu599Asp)

Gene: SCN1A (sodium voltage-gated channel alpha subunit 1; minus strand). Cytogenetic location: 2q24.3.
Variant type: single nucleotide variant.
Coding change: c.1797G>T on transcript NM_001165963.4 (MANE Select); coding-DNA position 1797, G replaced by T.
Protein change: p.Glu599Asp; replaces glutamic acid 599 with aspartic acid.
Molecular consequence: missense variant. On other transcripts: 5 prime UTR variant (1), non-coding transcript variant (1).
Genome position (GRCh38, 1-based): chr2:166,043,915, C>A on the plus strand (G>T on the coding strand, the complement: SCN1A is on the minus strand). VCF-style: chr2-166043915-C-A. GRCh37 (hg19) VCF-style: chr2-166900425-C-A.
Other names: c.1797G>T, p.Glu599Asp (NM_001165964.3, NM_001202435.3, NM_001353948.2 and 7 more transcripts); c.1794G>T, p.Glu598Asp (NM_001353954.2, NM_001353955.2, NM_001353960.2); c.-629G>T (NM_001353961.2); short protein forms E599D, E598D.
Identifiers: ClinVar variation 430464 (VCV000430464.3), dbSNP rs145035963, ClinGen allele CA349067639.